The following is an entry in ClinVar:

ClinVar aggregate classification (germline): Likely pathogenic (1 of 4 stars; one submission).

Conditions:
Autosomal recessive limb-girdle muscular dystrophy type 2J (LGMDR10). Also called: Limb-girdle muscular dystrophy, type 2J; MUSCULAR DYSTROPHY, LIMB-GIRDLE, AUTOSOMAL RECESSIVE 10. Identifiers: Orphanet 140922, MedGen C1837342, MONDO:0012127, OMIM 608807.
Dilated cardiomyopathy 1G (CMD1G). Identifiers: Orphanet 154, MedGen C1858763, MONDO:0011400, OMIM 604145.

Submission:

Labcorp Genetics (formerly Invitae), Labcorp
Classification: Likely pathogenic for Dilated cardiomyopathy 1G; Autosomal recessive limb-girdle muscular dystrophy type 2J. Last evaluated: 2022-07-14. Review status: criteria provided, single submitter. Criteria: Invitae Variant Classification Sherloc (09022015). Collection method: clinical testing. Allele origin: germline.
Comment: In summary, the currently available evidence indicates that the variant is pathogenic, but additional data are needed to prove that conclusively. Therefore, this variant has been classified as Likely Pathogenic. This variant is located in the A band of TTN (PMID: 25589632). Truncating variants in this region are significantly overrepresented in patients affected with dilated cardiomyopathy (PMID: 25589632). Truncating variants in this region have also been reported in individuals affected with autosomal recessive centronuclear myopathy (PMID: 23975875). This variant has not been reported in the literature in individuals affected with TTN-related conditions. This variant is not present in population databases (gnomAD no frequency). While this is not anticipated to result in nonsense mediated decay, it is expected to create a truncated TTN protein. While this is not anticipated to result in nonsense mediated decay, it is expected to disrupt the last 16969 amino acid(s) of the TTN protein.

Literature cited by the submitters: PubMed 25589632; PubMed 23975875.

NM_001267550.2(TTN):c.57069C>G (p.Tyr19023Ter)

Genes: TTN (titin; minus strand), TTN-AS1 (TTN antisense RNA 1; plus strand). Cytogenetic location: 2q31.2.
Variant type: single nucleotide variant.
Coding change: c.57069C>G on transcript NM_001267550.2 (MANE Select); coding-DNA position 57069, C replaced by G.
Protein change: p.Tyr19023Ter; replaces tyrosine 19023 with a stop codon.
Molecular consequence: nonsense.
Genome position (GRCh38, 1-based): chr2:178,598,548, G>C on the plus strand (C>G on the coding strand, the complement: TTN is on the minus strand). VCF-style: chr2-178598548-G-C. GRCh37 (hg19) VCF-style: chr2-179463275-G-C.
Other names: c.52146C>G, p.Tyr17382Ter (NM_001256850.1); c.29874C>G, p.Tyr9958Ter (NM_003319.4); c.49365C>G, p.Tyr16455Ter (NM_133378.4); c.30249C>G, p.Tyr10083Ter (NM_133432.3); c.30450C>G, p.Tyr10150Ter (NM_133437.4); short protein forms Y17382*, Y10150*, Y9958*, Y10083*, Y19023*, Y16455*.
Identifiers: ClinVar variation 2095224 (VCV002095224.4), dbSNP rs1490929702, ClinGen allele CA349523842.